The following is an entry in ClinVar:

NM_001130144.3(LTBP3):c.1721-1G>A

Gene: LTBP3 (latent transforming growth factor beta binding protein 3; minus strand). Cytogenetic location: 11q13.1.
Variant type: single nucleotide variant.
Coding change: c.1721-1G>A on transcript NM_001130144.3 (MANE Select); the canonical splice acceptor site of the intron before coding-DNA position 1721, G replaced by A.
Molecular consequence: splice acceptor variant.
Genome position (GRCh38, 1-based): chr11:65,548,046, C>T on the plus strand (G>A on the coding strand, the complement: LTBP3 is on the minus strand). VCF-style: chr11-65548046-C-T. GRCh37 (hg19) VCF-style: chr11-65315517-C-T.
Other names: c.1370-1G>A (NM_001164266.1); c.1721-1G>A (NM_021070.4).
Identifiers: ClinVar variation 1523524 (VCV001523524.9), dbSNP rs2135143551, ClinGen allele CA381272196.
Genomic context (GRCh38, chr11:65,548,046, plus strand): 5'-GGCCCGGCACGCACTCTCCGTGGCCACAGATGTTCTGGTTCAGTCGGCACTCATCAGTCT[C>T]TGCGGGCATGGCCAGGTCAAGCGGCAGAGCAGGGAGCGCTCACCTTCTGCCATATCCCCA-3'

ClinVar aggregate classification (germline): Likely pathogenic (1 of 4 stars; one submission).

Conditions:
Brachyolmia-amelogenesis imperfecta syndrome. Also called: PLATYSPONDYLY WITH AMELOGENESIS IMPERFECTA; Tooth agenesis, selective, 6; Dental anomalies and short stature. Identifiers: Orphanet 2899, MedGen C1832594, MONDO:0011018, OMIM 601216. Disease mechanism: loss of function.

Submission:

Labcorp Genetics (formerly Invitae), Labcorp
Classification: Likely pathogenic for Brachyolmia-amelogenesis imperfecta syndrome. Last evaluated: 2022-02-10. Review status: criteria provided, single submitter. Criteria: Invitae Variant Classification Sherloc (09022015). Collection method: clinical testing. Allele origin: germline.
Comment: This sequence change affects an acceptor splice site in intron 11 of the LTBP3 gene. It is expected to disrupt RNA splicing. Variants that disrupt the donor or acceptor splice site typically lead to a loss of protein function (PMID: 16199547), and loss-of-function variants in LTBP3 are known to be pathogenic (PMID: 11790802, 19344874, 25669657). In summary, the currently available evidence indicates that the variant is pathogenic, but additional data are needed to prove that conclusively. Therefore, this variant has been classified as Likely Pathogenic. Algorithms developed to predict the effect of sequence changes on RNA splicing suggest that this variant may disrupt the consensus splice site. Disruption of this splice site has been observed in individual(s) with dental anomalies and short stature (PMID: 30887145). This variant is not present in population databases (gnomAD no frequency).

Literature cited by the submitters: PubMed 16199547; PubMed 11790802; PubMed 19344874; PubMed 25669657; PubMed 30887145.